The following is an entry in ClinVar:

NM_002691.4(POLD1):c.2951T>C (p.Leu984Pro)

Gene: POLD1 (DNA polymerase delta 1, catalytic subunit; plus strand). Cytogenetic location: 19q13.33.
Variant type: single nucleotide variant.
Coding change: c.2951T>C on transcript NM_002691.4 (MANE Select); coding-DNA position 2951, T replaced by C.
Protein change: p.Leu984Pro; replaces leucine 984 with proline.
Molecular consequence: missense variant. On other transcripts: non-coding transcript variant (1).
Genome position (GRCh38, 1-based): chr19:50,416,526, T>C. VCF-style: chr19-50416526-T-C. GRCh37 (hg19) VCF-style: chr19-50919783-T-C.
Other names: c.2951T>C, p.Leu984Pro (NM_001256849.1); c.3029T>C, p.Leu1010Pro (NM_001308632.1); short protein forms L984P, L1010P.
Identifiers: ClinVar variation 575882 (VCV000575882.11), dbSNP rs1568640087, ClinGen allele CA406986708.

ClinVar aggregate classification (germline): Uncertain significance. Review status: criteria provided, multiple submitters, no conflicts (2 of 4 stars). 2 submissions from 2 submitters: Uncertain significance (2). Last evaluated 2021-11-22.

Conditions:
POLD1-related polyposis and colorectal cancer syndrome (CRCS10). Also called: Colorectal cancer 10; COLORECTAL CANCER, SUSCEPTIBILITY TO, ON CHROMOSOME 19q; Colorectal cancer, susceptibility to, 10. Identifiers: Orphanet 220460, MedGen C2675481, MONDO:0012953, OMIM 612591.
Hereditary cancer-predisposing syndrome. Also called: Tumor predisposition; Neoplastic Syndromes, Hereditary; Hereditary Cancer Syndrome; Hereditary neoplastic syndrome. Identifiers: Orphanet 140162, MedGen C0027672, MeSH D009386, MONDO:0015356.

Submissions (2):

Ambry Genetics
Classification: Uncertain significance for Hereditary cancer-predisposing syndrome. Last evaluated: 2021-11-22. Review status: criteria provided, single submitter. Criteria: Ambry Variant Classification Scheme 2023. Collection method: clinical testing. Allele origin: germline.
Comment: The p.L984P variant (also known as c.2951T>C), located in coding exon 22 of the POLD1 gene, results from a T to C substitution at nucleotide position 2951. The leucine at codon 984 is replaced by proline, an amino acid with similar properties. This amino acid position is conserved. In addition, the in silico prediction for this alteration is inconclusive. Since supporting evidence is limited at this time, the clinical significance of this alteration remains unclear.

Labcorp Genetics (formerly Invitae), Labcorp
Classification: Uncertain significance for POLD1-related polyposis and colorectal cancer syndrome. Last evaluated: 2018-02-26. Review status: criteria provided, single submitter. Criteria: Invitae Variant Classification Sherloc (09022015). Collection method: clinical testing. Allele origin: germline.
Comment: This sequence change replaces leucine with proline at codon 984 of the POLD1 protein (p.Leu984Pro). The leucine residue is moderately conserved and there is a moderate physicochemical difference between leucine and proline. This variant is not present in population databases (ExAC no frequency). This variant has not been reported in the literature in individuals with POLD1-related disease. Algorithms developed to predict the effect of missense changes on protein structure and function do not agree on the potential impact of this missense change (SIFT: "Deleterious"; PolyPhen-2: "Probably Damaging"; Align-GVGD: "Class C0"). In summary, the available evidence is currently insufficient to determine the role of this variant in disease. Therefore, it has been classified as a Variant of Uncertain Significance.